The following is an entry in ClinVar:

ClinVar aggregate classification (germline): Uncertain significance (1 of 4 stars; one submission).

Submission:

Ambry Genetics
Classification: Uncertain significance. Last evaluated: 2024-06-20. Review status: criteria provided, single submitter. Criteria: Ambry Variant Classification Scheme 2023. Collection method: clinical testing. Allele origin: germline.
Comment: The p.Q2116P variant (also known as c.6347A>C), located in coding exon 20 of the POLQ gene, results from an A to C substitution at nucleotide position 6347. The glutamine at codon 2116 is replaced by proline, an amino acid with similar properties. This amino acid position is conserved. In addition, the in silico prediction for this alteration is inconclusive. Based on the available evidence, the clinical significance of this variant remains unclear.

NM_199420.4(POLQ):c.6347A>C (p.Gln2116Pro)

Gene: POLQ (DNA polymerase theta; minus strand). Cytogenetic location: 3q13.33.
Variant type: single nucleotide variant.
Coding change: c.6347A>C on transcript NM_199420.4 (MANE Select); coding-DNA position 6347, A replaced by C.
Protein change: p.Gln2116Pro; replaces glutamine 2116 with proline.
Molecular consequence: missense variant.
Genome position (GRCh38, 1-based): chr3:121,476,598, T>G on the plus strand (A>C on the coding strand, the complement: POLQ is on the minus strand). VCF-style: chr3-121476598-T-G. GRCh37 (hg19) VCF-style: chr3-121195445-T-G.
Other names: short protein forms Q2116P.
Identifiers: ClinVar variation 3308739 (VCV003308739.1).